The following is an entry in ClinVar:

ClinVar aggregate classification (germline): Conflicting classifications of pathogenicity. Review status: criteria provided, conflicting classifications (1 of 4 stars). 4 submissions from 4 submitters: Uncertain significance (1); Likely benign (2). 1 of the submissions does not count toward it. Last evaluated 2025-08-03.

Conditions:
COL18A1-related disorder. Also called: COL18A1-related disorders; COL18A1-related condition.
Knobloch syndrome (KNO). Also called: RETINAL DETACHMENT AND OCCIPITAL ENCEPHALOCELE; Myopia retinal detachment encephalocele. Identifiers: Orphanet 1571, MedGen C1849409, MONDO:0800166.

Allele frequency attached by ClinVar (database versions not stated): TOPMed below 0.00001; gnomAD 0.00001.

Submissions (4):

Labcorp Genetics (formerly Invitae), Labcorp
Classification: Likely benign. Last evaluated: 2025-08-03. Review status: criteria provided, single submitter. Criteria: Invitae Variant Classification Sherloc (09022015). Collection method: clinical testing. Allele origin: germline.

Blueprint Genetics
Classification: Likely benign. Last evaluated: 2024-11-12. Review status: criteria provided, single submitter. Criteria: ACMG Guidelines, 2015. Collection method: clinical testing. Allele origin: germline.

Illumina Laboratory Services, Illumina
Classification: Uncertain significance for Knobloch syndrome 1. Last evaluated: 2018-01-12. Review status: criteria provided, single submitter. Criteria: ICSL Variant Classification Criteria 13 December 2019. Collection method: clinical testing. Allele origin: germline.

PreventionGenetics, part of Exact Sciences
Classification: Likely benign for COL18A1-related condition. Last evaluated: 2024-08-22. Review status: no assertion criteria provided. Collection method: clinical testing. Allele origin: germline. Not counted in ClinVar's aggregate classification.
Comment: This variant is classified as likely benign based on ACMG/AMP sequence variant interpretation guidelines (Richards et al. 2015 PMID: 25741868, with internal and published modifications).

NM_001379500.1(COL18A1):c.855G>A (p.Leu285=)

Gene: COL18A1 (collagen type XVIII alpha 1 chain; plus strand). Cytogenetic location: 21q22.3.
Variant type: single nucleotide variant.
Coding change: c.855G>A on transcript NM_001379500.1 (MANE Select); coding-DNA position 855, G replaced by A.
Protein change: p.Leu285=; no amino-acid change (leucine 285 retained).
Molecular consequence: synonymous variant.
Genome position (GRCh38, 1-based): chr21:45,476,407, G>A. VCF-style: chr21-45476407-G-A. GRCh37 (hg19) VCF-style: chr21-46896321-G-A.
Other names: NM_130445.2:c.855G>A; c.1395G>A, p.Leu465= (NM_030582.4); c.2100G>A, p.Leu700= (NM_130444.3); c.1395G>A (NM_030582.3).
Identifiers: ClinVar variation 896514 (VCV000896514.13), dbSNP rs754187386, ClinGen allele CA10065968.
Genomic context (GRCh38, chr21:45,476,407, plus strand): 5'-CCAGGGCGCGGCCCTAAAACCCAGGCTCCCCGCGCCACCCCCCGTCACCACGCCACCCTT[G>A]GCTGGAGGCAGCAGCACGGAAGATTCCAGAAGTGAAGAAGTCGAGGAGCAGACCACGGTG-3'
Protein context (NP_001366429.1, residues 275-295): PAPPPVTTPP[Leu285=]AGGSSTEDSR